The following is an entry in ClinVar:

ClinVar aggregate classification (germline): Uncertain significance. Review status: criteria provided, multiple submitters, no conflicts (2 of 4 stars). 3 submissions from 3 submitters: Uncertain significance (3). Last evaluated 2025-08-22.

Conditions:
Inborn genetic diseases. Identifiers: MedGen C0950123, MeSH D030342.
Spondyloepiphyseal dysplasia with congenital joint dislocations (SEDCJD). Also called: Chondrodysplasia with Congenital Joint Dislocations, CHST3-Related. Identifiers: Orphanet 263463, MedGen C1837657, MONDO:0007738, OMIM 143095.

Allele frequency attached by ClinVar (database versions not stated): gnomAD exomes below 0.00001 and 0.00001; ExAC 0.00001; gnomAD 0.00001 and 0.00002; TOPMed 0.00002; ESP Exome Variant Server 0.00008; 1000 Genomes Project 30x 0.00016; 1000 Genomes Project 0.00020.
gnomAD v4.1: 17 of 1,614,222 alleles (0.0011%); highest among the groups gnomAD compares: Non-Finnish European, 0.0014%; no homozygotes.

Submissions (3):

Ambry Genetics
Classification: Uncertain significance for Inborn genetic diseases. Last evaluated: 2025-08-22. Review status: criteria provided, single submitter. Criteria: Ambry Variant Classification Scheme 2023. Collection method: clinical testing. Allele origin: germline.

Labcorp Genetics (formerly Invitae), Labcorp
Classification: Uncertain significance for Spondyloepiphyseal dysplasia with congenital joint dislocations. Last evaluated: 2022-08-10. Review status: criteria provided, single submitter. Criteria: Invitae Variant Classification Sherloc (09022015). Collection method: clinical testing. Allele origin: germline.
Comment: ClinVar contains an entry for this variant (Variation ID: 290059). This variant has not been reported in the literature in individuals affected with CHST3-related conditions. This variant is present in population databases (rs142556853, gnomAD 0.0009%). This sequence change replaces alanine, which is neutral and non-polar, with threonine, which is neutral and polar, at codon 68 of the CHST3 protein (p.Ala68Thr). Algorithms developed to predict the effect of missense changes on protein structure and function (SIFT, PolyPhen-2, Align-GVGD) all suggest that this variant is likely to be tolerated. In summary, the available evidence is currently insufficient to determine the role of this variant in disease. Therefore, it has been classified as a Variant of Uncertain Significance.

Eurofins Ntd Llc (ga)
Classification: Uncertain significance. Last evaluated: 2016-08-31. Review status: criteria provided, single submitter. Criteria: EGL Classification Definitions 2015. Collection method: clinical testing. Allele origin: germline. Observed: 1 variant allele, 1 heterozygote.

NM_004273.5(CHST3):c.202G>A (p.Ala68Thr)

Gene: CHST3 (carbohydrate sulfotransferase 3; plus strand). Cytogenetic location: 10q22.1.
Variant type: single nucleotide variant.
Coding change: c.202G>A on transcript NM_004273.5 (MANE Select); coding-DNA position 202, G replaced by A.
Protein change: p.Ala68Thr; replaces alanine 68 with threonine.
Molecular consequence: missense variant.
Genome position (GRCh38, 1-based): chr10:72,007,233, G>A. VCF-style: chr10-72007233-G-A. GRCh37 (hg19) VCF-style: chr10-73766991-G-A.
Other names: c.202G>A (NM_004273.4); short protein forms A68T.
Identifiers: ClinVar variation 290059 (VCV000290059.10), dbSNP rs142556853, ClinGen allele CA5548040.